The following is an entry in ClinVar:

ClinVar aggregate classification (germline): Pathogenic (1 of 4 stars; one submission).

Conditions:
Spastic paraplegia. Identifiers: MedGen C0037772, HP:0001258.

gnomAD v4.1: 1 of 1,613,706 alleles (0.000062%); highest among the groups gnomAD compares: Non-Finnish European, 0.000085%; no homozygotes.

Submission:

Labcorp Genetics (formerly Invitae), Labcorp
Classification: Pathogenic for Spastic paraplegia. Last evaluated: 2021-01-05. Review status: criteria provided, single submitter. Criteria: Invitae Variant Classification Sherloc (09022015). Collection method: clinical testing. Allele origin: germline.
Comment: This sequence change creates a premature translational stop signal (p.Trp217*) in the GBA2 gene. It is expected to result in an absent or disrupted protein product. Loss-of-function variants in GBA2 are known to be pathogenic (PMID: 23332916, 23332917). For these reasons, this variant has been classified as Pathogenic. This variant has not been reported in the literature in individuals with GBA2-related conditions. This variant is not present in population databases (ExAC no frequency).

Literature cited by the submitters: PubMed 23332916; PubMed 23332917.

NM_020944.3(GBA2):c.651G>A (p.Trp217Ter)

Gene: GBA2 (glucosylceramidase beta 2; minus strand). Cytogenetic location: 9p13.3.
Variant type: single nucleotide variant.
Coding change: c.651G>A on transcript NM_020944.3 (MANE Select); coding-DNA position 651, G replaced by A.
Protein change: p.Trp217Ter; replaces tryptophan 217 with a stop codon.
Molecular consequence: nonsense.
Genome position (GRCh38, 1-based): chr9:35,741,807, C>T on the plus strand (G>A on the coding strand, the complement: GBA2 is on the minus strand). VCF-style: chr9-35741807-C-T. GRCh37 (hg19) VCF-style: chr9-35741804-C-T.
Other names: c.651G>A, p.Trp217Ter (NM_001330660.2); short protein forms W217*.
Identifiers: ClinVar variation 1452029 (VCV001452029.6), dbSNP rs1354082523, ClinGen allele CA373416969.